The following is an entry in ClinVar:

ClinVar aggregate classification (germline): Benign (1 of 4 stars; one submission).

Conditions:
Colorectal cancer, hereditary nonpolyposis, type 7. Identifiers: Orphanet 144, MedGen C1858380, MONDO:0013725, OMIM 614385.

Submission:

Myriad Genetics, Inc.
Classification: Benign for Colorectal cancer, hereditary nonpolyposis, type 7. Last evaluated: 2026-04-30. Review status: criteria provided, single submitter. Criteria: Myriad Autosomal Dominant, Autosomal Recessive and X-Linked Classification Criteria (2023). Collection method: clinical testing. Allele origin: unknown.
Comment: This variant is considered benign. This variant is a silent/synonymous amino acid change and it is not expected to impact splicing.

NM_001040108.2(MLH3):c.1323C>T (p.Tyr441=)

Gene: MLH3 (mutL homolog 3; minus strand). Cytogenetic location: 14q24.3.
Variant type: single nucleotide variant.
Coding change: c.1323C>T on transcript NM_001040108.2 (MANE Select); coding-DNA position 1323, C replaced by T.
Protein change: p.Tyr441=; no amino-acid change (tyrosine 441 retained).
Molecular consequence: synonymous variant.
Genome position (GRCh38, 1-based): chr14:75,048,333, G>A on the plus strand (C>T on the coding strand, the complement: MLH3 is on the minus strand). VCF-style: chr14-75048333-G-A. GRCh37 (hg19) VCF-style: chr14-75515036-G-A.
Other names: c.1323C>T, p.Tyr441= (NM_014381.3).
Identifiers: ClinVar variation 4875928 (VCV004875928.1).
Genomic context (GRCh38, chr14:75,048,333, plus strand): 5'-TTTGTTTTGTAAAGATGGCTCTGTCATTTTGCTATGGCCTGGACCACCTGATTCATAAAT[G>A]TACAAAAATGCATCATTTGTATTTTTTCTGGTAGCTTCTGAATCCCTAGAACTCTGTGTG-3'
Protein context (NP_001035197.1, residues 431-451): TRKNTNDAFL[Tyr441=]IYESGGPGHS